The following is an entry in ClinVar:

ClinVar aggregate classification (germline): Likely pathogenic (1 of 4 stars; one submission).

Conditions:
Autosomal recessive nonsyndromic hearing loss 77. Identifiers: Orphanet 90636, MedGen C2746083, MONDO:0013119, OMIM 613079.

Submission:

Juno Genomics, Hangzhou Juno Genomics, Inc
Classification: Likely pathogenic for Autosomal recessive nonsyndromic hearing loss 77. Review status: criteria provided, single submitter. Criteria: ACMG Guidelines, 2015. Collection method: clinical testing. Allele origin: germline. Affected: yes.
Comment: Absent from controls (or at extremely low frequency if recessive) in Genome Aggregation Database, Exome Sequencing Project, 1000 Genomes Project, or Exome Aggregation Consortium.;Null variant in a gene where loss of function (LOF) is a known mechanism of disease.

NM_001384474.1(LOXHD1):c.3186del (p.Asp1063fs)

Gene: LOXHD1 (lipoxygenase homology PLAT domains 1; minus strand). Cytogenetic location: 18q21.1.
Variant type: Deletion.
Coding change: c.3186del on transcript NM_001384474.1 (MANE Select); coding-DNA position 3186, one base deleted (A; older notation c.3186delA).
Protein change: p.Asp1063fs; shifts the reading frame from aspartic acid 1063.
Molecular consequence: frameshift variant.
Genome position (GRCh38, 1-based): chr18:46,559,478, T deleted on the plus strand (A on the coding strand, the reverse complement: LOXHD1 is on the minus strand). VCF-style (leftmost placement, unchanged base first): chr18-46559477-CT-C. GRCh37 (hg19) VCF-style: chr18-44139440-CT-C.
Other names: c.3186del, p.Asp1063fs (NM_144612.7); short protein forms D1063fs.
Identifiers: ClinVar variation 3764725 (VCV003764725.2).